The following is an entry in ClinVar:

NM_001042492.3(NF1):c.6148-17dup

Gene: NF1 (neurofibromin 1; plus strand). Cytogenetic location: 17q11.2.
Variant type: Duplication.
Coding change: c.6148-17dup on transcript NM_001042492.3 (MANE Select); 17 bases into the intron before coding-DNA position 6148, one base duplicated (A; older notation c.6148-17dupA).
Molecular consequence: intron variant.
Genome position (GRCh38, 1-based): chr17:31,336,618, A duplicated; the last of 11 consecutive A bases (chr17:31,336,608-31,336,618); duplicating any one gives the same sequence. VCF-style (leftmost placement, unchanged base first): chr17-31336607-T-TA. GRCh37 (hg19) VCF-style: chr17-29663625-T-TA.
Other names: c.6085-17dupA (NM_000267.3); c.6085-17dup (NM_000267.3).
Identifiers: ClinVar variation 495785 (VCV000495785.5), dbSNP rs33925668, ClinGen allele CA8487315.

ClinVar aggregate classification (germline): Benign. Review status: criteria provided, multiple submitters, no conflicts (2 of 4 stars). 3 submissions from 3 submitters: Benign (3). Last evaluated 2020-07-07.

Conditions:
Hereditary cancer-predisposing syndrome. Also called: Tumor predisposition; Neoplastic Syndromes, Hereditary; Hereditary neoplastic syndrome; Hereditary Cancer Syndrome. Identifiers: Orphanet 140162, MedGen C0027672, MeSH D009386, MONDO:0015356.
Cardiovascular phenotype. Identifiers: MedGen CN230736.

Submissions (3):

Ambry Genetics
Classification: Benign for Cardiovascular phenotype; Hereditary cancer-predisposing syndrome. Last evaluated: 2020-07-07. Review status: criteria provided, single submitter. Criteria: Ambry Variant Classification Scheme 2023. Collection method: clinical testing. Allele origin: germline.

GeneDx
Classification: Benign. Last evaluated: 2019-08-13. Review status: criteria provided, single submitter. Criteria: GeneDx Variant Classification Process June 2021. Collection method: clinical testing. Allele origin: germline. Affected: yes.

Women's Health and Genetics/Laboratory Corporation of America, LabCorp
Classification: Benign. Last evaluated: 2016-05-12. Review status: criteria provided, single submitter. Criteria: LabCorp Variant Classification Summary - May 2015. Collection method: clinical testing. Allele origin: germline.
Comment: Variant summary: The NF1 c.6085-17dupA variant involves the alteration of an intronic nucleotide with 5/5 splice prediction tools calculating no significant effect on splicing, although these predictions have yet to be functionally assessed. The variant of interest was observed in the large, broad control population, ExAC, with an allele frequency of 9674/35378 (758 homozygotes, 1/3, frequency: 0.2734468), which significantly exceeds the estimated maximal expected allele frequency for a pathogenic NF1 variant of 1/4798 (0.0002084), suggesting this variant is likely a benign polymorphism. The variant of interest has not, to our knowledge, been reported in affected individuals via publications and/or reputable databases/clinical diagnostic laboratories. Therefore, taking all available lines of evidence into consideration, the variant of interest is classified as Benign.